The following is an entry in ClinVar:

NM_015978.3(TNNI3K):c.1071G>C (p.Gln357His)

Genes: FPGT-TNNI3K (FPGT-TNNI3K readthrough; plus strand), TNNI3K (TNNI3 interacting kinase; plus strand). Cytogenetic location: 1p31.1.
Variant type: single nucleotide variant.
Coding change: c.1071G>C on transcript NM_015978.3 (MANE Select); coding-DNA position 1071, G replaced by C.
Protein change: p.Gln357His; replaces glutamine 357 with histidine.
Molecular consequence: missense variant.
Genome position (GRCh38, 1-based): chr1:74,354,023, G>C. VCF-style: chr1-74354023-G-C. GRCh37 (hg19) VCF-style: chr1-74819707-G-C.
Other names: c.1374G>C, p.Gln458His (NM_001112808.3, NM_001199327.2); short protein forms Q357H, Q458H.
Identifiers: ClinVar variation 3649642 (VCV003649642.2).

ClinVar aggregate classification (germline): Uncertain significance (1 of 4 stars; one submission).

Submission:

Labcorp Genetics (formerly Invitae), Labcorp
Classification: Uncertain significance. Last evaluated: 2024-04-11. Review status: criteria provided, single submitter. Criteria: Invitae Variant Classification Sherloc (09022015). Collection method: clinical testing. Allele origin: germline.
Comment: This sequence change replaces glutamine, which is neutral and polar, with histidine, which is basic and polar, at codon 357 of the TNNI3K protein (p.Gln357His). This variant is not present in population databases (gnomAD no frequency). This variant has not been reported in the literature in individuals affected with TNNI3K-related conditions. Advanced modeling of protein sequence and biophysical properties (such as structural, functional, and spatial information, amino acid conservation, physicochemical variation, residue mobility, and thermodynamic stability) performed at Invitae indicates that this missense variant is not expected to disrupt TNNI3K protein function with a negative predictive value of 80%. In summary, the available evidence is currently insufficient to determine the role of this variant in disease. Therefore, it has been classified as a Variant of Uncertain Significance.